The following is an entry in ClinVar:

NM_015386.3(COG4):c.169G>A (p.Glu57Lys)

Gene: COG4 (component of oligomeric golgi complex 4; minus strand). Cytogenetic location: 16q22.1.
Variant type: single nucleotide variant.
Coding change: c.169G>A on transcript NM_015386.3 (MANE Select); coding-DNA position 169, G replaced by A.
Protein change: p.Glu57Lys; replaces glutamic acid 57 with lysine.
Molecular consequence: missense variant. On other transcripts: 5 prime UTR variant (1), non-coding transcript variant (1).
Genome position (GRCh38, 1-based): chr16:70,523,375, C>T on the plus strand (G>A on the coding strand, the complement: COG4 is on the minus strand). VCF-style: chr16-70523375-C-T. GRCh37 (hg19) VCF-style: chr16-70557278-C-T.
Other names: c.157G>A, p.Glu53Lys (NM_001195139.2); c.-431G>A (NM_001365426.1); short protein forms E57K, E53K.
Identifiers: ClinVar variation 1977749 (VCV001977749.5), dbSNP rs766223662, ClinGen allele CA8144819.

ClinVar aggregate classification (germline): Uncertain significance (1 of 4 stars; one submission).

Conditions:
COG4-congenital disorder of glycosylation. Also called: CONGENITAL DISORDER OF GLYCOSYLATION, TYPE IIj; CDG IIj; COG4-CDG. Identifiers: Orphanet 263501, MedGen C4303552, MONDO:0013281, OMIM 613489.

Allele frequency attached by ClinVar (database versions not stated): gnomAD 0.00003; ExAC 0.00005; TOPMed 0.00009.
gnomAD v4.1: 42 of 1,614,042 alleles (0.0026%); highest among the groups gnomAD compares: Admixed American, 0.027%; no homozygotes.

Submission:

Labcorp Genetics (formerly Invitae), Labcorp
Classification: Uncertain significance for COG4-congenital disorder of glycosylation. Last evaluated: 2024-11-05. Review status: criteria provided, single submitter. Criteria: Invitae Variant Classification Sherloc (09022015). Collection method: clinical testing. Allele origin: germline.
Comment: This sequence change replaces glutamic acid, which is acidic and polar, with lysine, which is basic and polar, at codon 57 of the COG4 protein (p.Glu57Lys). This variant is present in population databases (rs766223662, gnomAD 0.02%). This variant has not been reported in the literature in individuals affected with COG4-related conditions. ClinVar contains an entry for this variant (Variation ID: 1977749). An algorithm developed to predict the effect of missense changes on protein structure and function (PolyPhen-2) suggests that this variant is likely to be tolerated. In summary, the available evidence is currently insufficient to determine the role of this variant in disease. Therefore, it has been classified as a Variant of Uncertain Significance.